The following is an entry in ClinVar:

NM_004006.3(DMD):c.442A>C (p.Thr148Pro)

Gene: DMD (dystrophin; minus strand). Cytogenetic location: Xp21.1.
Variant type: single nucleotide variant.
Coding change: c.442A>C on transcript NM_004006.3 (MANE Select); coding-DNA position 442, A replaced by C.
Protein change: p.Thr148Pro; replaces threonine 148 with proline.
Molecular consequence: missense variant.
Genome position (GRCh38, 1-based): chrX:32,816,556, T>G on the plus strand (A>C on the coding strand, the complement: DMD is on the minus strand). VCF-style: chrX-32816556-T-G. GRCh37 (hg19) VCF-style: chrX-32834673-T-G.
Other names: c.418A>C, p.Thr140Pro (NM_000109.4); c.430A>C, p.Thr144Pro (NM_004009.3); c.73A>C, p.Thr25Pro (NM_004010.3); short protein forms T25P, T144P, T140P, T148P.
Identifiers: ClinVar variation 946884 (VCV000946884.1), dbSNP rs2077778100, ClinGen allele CA412674209.

ClinVar aggregate classification (germline): Uncertain significance (1 of 4 stars; one submission).

Conditions:
Duchenne muscular dystrophy (DMD). Also called: Duchenne Muscular Dystrophy (DMD); MUSCULAR DYSTROPHY, PSEUDOHYPERTROPHIC PROGRESSIVE, DUCHENNE TYPE. Identifiers: Orphanet 98896, MedGen C0013264, MONDO:0010679, OMIM 310200.

Submission:

Labcorp Genetics (formerly Invitae), Labcorp
Classification: Uncertain significance for Duchenne muscular dystrophy. Last evaluated: 2019-07-18. Review status: criteria provided, single submitter. Criteria: Invitae Variant Classification Sherloc (09022015). Collection method: clinical testing. Allele origin: germline.
Comment: This sequence change replaces threonine with proline at codon 148 of the DMD protein (p.Thr148Pro). The threonine residue is highly conserved and there is a small physicochemical difference between threonine and proline. This variant is not present in population databases (ExAC no frequency). This variant has been observed in an individual affected with Duchenne muscular dystrophy (PMID: 31081998). Algorithms developed to predict the effect of missense changes on protein structure and function (SIFT, PolyPhen-2, Align-GVGD) all suggest that this variant is likely to be disruptive, but these predictions have not been confirmed by published functional studies and their clinical significance is uncertain. In summary, the available evidence is currently insufficient to determine the role of this variant in disease. Therefore, it has been classified as a Variant of Uncertain Significance.

Literature cited by the submitters: PubMed 31081998.